The following is an entry in ClinVar:

ClinVar aggregate classification (germline): Uncertain significance (1 of 4 stars; one submission).

Conditions:
Aortic valve disease 2 (AOVD2). Identifiers: MedGen C3542024, MONDO:0013902, OMIM 614823.

Submission:

Labcorp Genetics (formerly Invitae), Labcorp
Classification: Uncertain significance for Aortic valve disease 2. Last evaluated: 2025-07-27. Review status: criteria provided, single submitter. Criteria: Invitae Variant Classification Sherloc (09022015). Collection method: clinical testing. Allele origin: germline.
Comment: This sequence change creates a premature translational stop signal (p.Lys437delinsPro*) in the SMAD6 gene. While this is not anticipated to result in nonsense mediated decay, it is expected to disrupt the last 60 amino acid(s) of the SMAD6 protein. This variant is present in population databases (rs755010812, gnomAD 0.003%). This variant has not been reported in the literature in individuals affected with SMAD6-related conditions. Experimental studies and prediction algorithms are not available or were not evaluated, and the functional significance of this variant is currently unknown. In summary, the available evidence is currently insufficient to determine the role of this variant in disease. Therefore, it has been classified as a Variant of Uncertain Significance.

NM_005585.5(SMAD6):c.1308_1309insCCTT (p.Lys437delinsProTer)

Gene: SMAD6 (SMAD family member 6; plus strand). Cytogenetic location: 15q22.31.
Variant type: Insertion.
Coding change: c.1308_1309insCCTT on transcript NM_005585.5 (MANE Select); coding-DNA positions 1308 to 1309, CCTT inserted.
Protein change: p.Lys437delinsProTer.
Molecular consequence: nonsense. On other transcripts: non-coding transcript variant (1).
Genome position: GRCh38 VCF-style: chr15-66781352-C-CCCTT. GRCh37 (hg19) VCF-style: chr15-67073690-C-CCCTT.
Identifiers: ClinVar variation 4724047 (VCV004724047.1).